The following is an entry in ClinVar:

ClinVar aggregate classification (germline): Uncertain significance (1 of 4 stars; one submission).

Conditions:
Hereditary cancer-predisposing syndrome. Also called: Hereditary Cancer Syndrome; Neoplastic Syndromes, Hereditary; Tumor predisposition; Hereditary neoplastic syndrome. Identifiers: Orphanet 140162, MedGen C0027672, MeSH D009386, MONDO:0015356.

Submission:

Ambry Genetics
Classification: Uncertain significance for Hereditary cancer-predisposing syndrome. Last evaluated: 2026-07-05. Review status: criteria provided, single submitter. Criteria: Ambry Variant Classification Scheme 2023. Collection method: clinical testing. Allele origin: germline.
Comment: The p.A876T variant (also known as c.2626G>A), located in coding exon 15 of the ALK gene, results from a G to A substitution at nucleotide position 2626. The alanine at codon 876 is replaced by threonine, an amino acid with similar properties. This amino acid position is conserved. In addition, this alteration is predicted to be tolerated by in silico analysis. Based on the available evidence, the clinical significance of this variant remains unclear.

NM_004304.5(ALK):c.2626G>A (p.Ala876Thr)

Gene: ALK (ALK receptor tyrosine kinase; minus strand). Cytogenetic location: 2p23.2.
Variant type: single nucleotide variant.
Coding change: c.2626G>A on transcript NM_004304.5 (MANE Select); coding-DNA position 2626, G replaced by A.
Protein change: p.Ala876Thr; replaces alanine 876 with threonine.
Molecular consequence: missense variant.
Genome position (GRCh38, 1-based): chr2:29,232,310, C>T on the plus strand (G>A on the coding strand, the complement: ALK is on the minus strand). VCF-style: chr2-29232310-C-T. GRCh37 (hg19) VCF-style: chr2-29455176-C-T.
Other names: short protein forms A876T.
Identifiers: ClinVar variation 5035171 (VCV005035171.1).
Genomic context (GRCh38, chr2:29,232,310, plus strand): 5'-CCAGCTGAAGGCCTGGGAGAGGTTCTGGGAGAGGGCACGCTTGCAGCGCTTTACCTGCGG[C>T]TCCGGAATTGCCGTTTAGCCCTAGAACCGAGGAGTTATTCTCCAGTCTCTCTGGGTGGAA-3'
Protein context (NP_004295.2, residues 866-886): SVLGLNGNSG[Ala876Thr]AGGGGGWNDN